The following is an entry in ClinVar:

NM_000520.6(HEXA):c.833A>G (p.Tyr278Cys)

Gene: HEXA (hexosaminidase subunit alpha; minus strand). Cytogenetic location: 15q23.
Variant type: single nucleotide variant.
Coding change: c.833A>G on transcript NM_000520.6 (MANE Select); coding-DNA position 833, A replaced by G.
Protein change: p.Tyr278Cys; replaces tyrosine 278 with cysteine.
Molecular consequence: missense variant. On other transcripts: non-coding transcript variant (1).
Genome position (GRCh38, 1-based): chr15:72,349,232, T>C on the plus strand (A>G on the coding strand, the complement: HEXA is on the minus strand). VCF-style: chr15-72349232-T-C. GRCh37 (hg19) VCF-style: chr15-72641573-T-C.
Other names: c.866A>G, p.Tyr289Cys (NM_001318825.2); short protein forms Y289C, Y278C.
Identifiers: ClinVar variation 1447442 (VCV001447442.6), dbSNP rs772036483, ClinGen allele CA393062666.

ClinVar aggregate classification (germline): Uncertain significance (1 of 4 stars; one submission).

Conditions:
Tay-Sachs disease (TSD). Also called: HEXA DEFICIENCY; GM2 gangliosidosis, type 1; Hexosaminidase alpha-subunit deficiency (variant B); Sphingolipidosis, Tay-Sachs; HEXA Disorders; Hexosaminidase A Deficiency. Identifiers: Orphanet 845, MedGen C0039373, MONDO:0010100, OMIM 272800.

Allele frequency attached by ClinVar (database versions not stated): TOPMed below 0.00001.

Submission:

Labcorp Genetics (formerly Invitae), Labcorp
Classification: Uncertain significance for Tay-Sachs disease. Last evaluated: 2021-11-20. Review status: criteria provided, single submitter. Criteria: Invitae Variant Classification Sherloc (09022015). Collection method: clinical testing. Allele origin: germline.
Comment: This sequence change replaces tyrosine, which is neutral and polar, with cysteine, which is neutral and slightly polar, at codon 278 of the HEXA protein (p.Tyr278Cys). This variant is not present in population databases (gnomAD no frequency). This variant has not been reported in the literature in individuals affected with HEXA-related conditions. Algorithms developed to predict the effect of missense changes on protein structure and function are either unavailable or do not agree on the potential impact of this missense change (SIFT: "Deleterious"; PolyPhen-2: "Probably Damaging"; Align-GVGD: "Class C0"). In summary, the available evidence is currently insufficient to determine the role of this variant in disease. Therefore, it has been classified as a Variant of Uncertain Significance.